The following is an entry in ClinVar:

ClinVar aggregate classification (germline): Pathogenic (1 of 4 stars; one submission).

Conditions:
Arrhythmogenic right ventricular dysplasia 9 (ARVD9). Also called: Arrhythmogenic Right Ventricular Dysplasia/Cardiomyopathy 9; ARRHYTHMOGENIC RIGHT VENTRICULAR DYSPLASIA, FAMILIAL, 9. Identifiers: MedGen C1836906, MONDO:0012180, OMIM 609040.

Allele frequency attached by ClinVar (database versions not stated): gnomAD exomes below 0.00001.
gnomAD v4.1: 1 of 1,614,108 alleles (0.000062%); highest among the groups gnomAD compares: Non-Finnish European, 0.000085%; no homozygotes.

Submission:

Labcorp Genetics (formerly Invitae), Labcorp
Classification: Pathogenic for Arrhythmogenic right ventricular dysplasia 9. Last evaluated: 2022-07-27. Review status: criteria provided, single submitter. Criteria: Invitae Variant Classification Sherloc (09022015). Collection method: clinical testing. Allele origin: germline.
Comment: This sequence change replaces serine, which is neutral and polar, with phenylalanine, which is neutral and non-polar, at codon 615 of the PKP2 protein (p.Ser615Phe). This variant is not present in population databases (gnomAD no frequency). This missense change has been observed in individuals with arrhythmogenic right ventricular cardiomyopathy (ARVC) (PMID: 15489853, 23671136; Invitae). It has also been observed to segregate with disease in related individuals. ClinVar contains an entry for this variant (Variation ID: 406555). Algorithms developed to predict the effect of missense changes on protein structure and function (SIFT, PolyPhen-2, Align-GVGD) all suggest that this variant is likely to be disruptive. Experimental studies have shown that this missense change affects PKP2 function (PMID: 22781308). For these reasons, this variant has been classified as Pathogenic.

Literature cited by the submitters: PubMed 15489853; PubMed 23671136; PubMed 22781308.

NM_001005242.3(PKP2):c.1712C>T (p.Ser571Phe)

Gene: PKP2 (plakophilin 2; minus strand). Cytogenetic location: 12p11.21.
Variant type: single nucleotide variant.
Coding change: c.1712C>T on transcript NM_001005242.3 (MANE Select); coding-DNA position 1712, C replaced by T.
Protein change: p.Ser571Phe; replaces serine 571 with phenylalanine.
Molecular consequence: missense variant.
Genome position (GRCh38, 1-based): chr12:32,822,594, G>A on the plus strand (C>T on the coding strand, the complement: PKP2 is on the minus strand). VCF-style: chr12-32822594-G-A. GRCh37 (hg19) VCF-style: chr12-32975528-G-A.
Other names: c.1844C>T, p.Ser615Phe (NM_004572.4); short protein forms S615F, S571F.
Identifiers: ClinVar variation 406555 (VCV000406555.8), dbSNP rs1060501186, ClinGen allele CA16614124.